The following is an entry in ClinVar:

NM_014727.3(KMT2B):c.6667A>C (p.Thr2223Pro)

Gene: KMT2B (lysine methyltransferase 2B; plus strand). Cytogenetic location: 19q13.12.
Variant type: single nucleotide variant.
Coding change: c.6667A>C on transcript NM_014727.3 (MANE Select); coding-DNA position 6667, A replaced by C.
Protein change: p.Thr2223Pro; replaces threonine 2223 with proline.
Molecular consequence: missense variant.
Genome position (GRCh38, 1-based): chr19:35,733,216, A>C. VCF-style: chr19-35733216-A-C. GRCh37 (hg19) VCF-style: chr19-36224117-A-C.
Other names: short protein forms T2223P.
Identifiers: ClinVar variation 3252685 (VCV003252685.1), dbSNP rs1465920574.

ClinVar aggregate classification (germline): Uncertain significance (1 of 4 stars; one submission).

Submission:

GeneDx
Classification: Uncertain significance. Last evaluated: 2023-06-04. Review status: criteria provided, single submitter. Criteria: GeneDx Variant Classification Process June 2021. Collection method: clinical testing. Allele origin: germline. Affected: yes.
Comment: In silico analysis supports that this missense variant does not alter protein structure/function; Has not been previously published as pathogenic or benign to our knowledge